The following is an entry in ClinVar:

NM_139318.5(KCNH5):c.2359A>G (p.Asn787Asp)

Gene: KCNH5 (potassium voltage-gated channel subfamily H member 5; minus strand). Cytogenetic location: 14q23.2.
Variant type: single nucleotide variant.
Coding change: c.2359A>G on transcript NM_139318.5 (MANE Select); coding-DNA position 2359, A replaced by G.
Protein change: p.Asn787Asp; replaces asparagine 787 with aspartic acid.
Molecular consequence: missense variant. On other transcripts: 3 prime UTR variant (1).
Genome position (GRCh38, 1-based): chr14:62,708,116, T>C on the plus strand (A>G on the coding strand, the complement: KCNH5 is on the minus strand). VCF-style: chr14-62708116-T-C. GRCh37 (hg19) VCF-style: chr14-63174834-T-C.
Other names: c.*326A>G (NM_172375.3); short protein forms N787D.
Identifiers: ClinVar variation 2790225 (VCV002790225.3), dbSNP rs2502653846, ClinGen allele CA390100785.

ClinVar aggregate classification (germline): Uncertain significance (1 of 4 stars; one submission).

Conditions:
Early-infantile DEE. Also called: Early infantile epileptic encephalopathy; Early infantile epileptic encephalopathy with suppression bursts; Ohtahara syndrome. Identifiers: Orphanet 1934, MedGen C0393706, MONDO:0800491.

Submission:

Labcorp Genetics (formerly Invitae), Labcorp
Classification: Uncertain significance for Early-infantile DEE. Last evaluated: 2026-01-13. Review status: criteria provided, single submitter. Criteria: Invitae Variant Classification Sherloc (09022015). Collection method: clinical testing. Allele origin: germline.
Comment: This sequence change replaces asparagine, which is neutral and polar, with aspartic acid, which is acidic and polar, at codon 787 of the KCNH5 protein (p.Asn787Asp). This variant is not present in population databases (gnomAD no frequency). This variant has not been reported in the literature in individuals affected with KCNH5-related conditions. ClinVar contains an entry for this variant (Variation ID: 2790225). Invitae Evidence Modeling of protein sequence and biophysical properties (such as structural, functional, and spatial information, amino acid conservation, physicochemical variation, residue mobility, and thermodynamic stability) indicates that this missense variant is not expected to disrupt KCNH5 protein function with a negative predictive value of 95%. In summary, the available evidence is currently insufficient to determine the role of this variant in disease. Therefore, it has been classified as a Variant of Uncertain Significance.